The following is an entry in ClinVar:

ClinVar aggregate classification (germline): Benign/Likely benign. Review status: criteria provided, multiple submitters, no conflicts (2 of 4 stars). 7 submissions from 7 submitters: Benign (1); Likely benign (4). 2 of the submissions do not count toward it. Last evaluated 2024-11-25.

Conditions:
Polycystic kidney disease, adult type (PKD1). Also called: POLYCYSTIC KIDNEY DISEASE, ADULT, TYPE I; Polycystic Kidney, Autosomal Dominant; POLYCYSTIC KIDNEY DISEASE 1 WITH OR WITHOUT POLYCYSTIC LIVER DISEASE; Polycystic Kidney Disease 1, Autosomal Dominant; Polycystic kidney disease 1; Polycystic kidney disease 1, severe. Identifiers: MedGen C3149841, MONDO:0008263, OMIM 173900.
Polycystic kidney disease. Also called: Polycystic kidney dysplasia; Kidney, Polycystic. Identifiers: MedGen C0022680, MeSH D007690, MONDO:0020642, HP:0000113.
PKD1-related disorder. Also called: PKD1-related condition.

Allele frequency attached by ClinVar (database versions not stated): ESP Exome Variant Server 0.00267; 1000 Genomes Project 30x 0.00281; 1000 Genomes Project 0.00300; gnomAD 0.00305 and 0.00331; TOPMed 0.00325; gnomAD exomes 0.00028 and 0.00061; ExAC 0.00128.
gnomAD v4.1: 881 of 1,557,720 alleles (0.057%); highest among the groups gnomAD compares: African/African-American, 1%; 6 homozygotes.

Submissions (7):

Blueprint Genetics
Classification: Likely benign. Last evaluated: 2024-11-25. Review status: criteria provided, single submitter. Criteria: ACMG Guidelines, 2015. Collection method: clinical testing. Allele origin: germline.

Athena Diagnostics
Classification: Benign. Last evaluated: 2024-07-30. Review status: criteria provided, single submitter. Criteria: Athena Diagnostics Criteria. Collection method: clinical testing. Allele origin: unknown.

Fulgent Genetics
Classification: Likely benign for Polycystic kidney disease, adult type. Last evaluated: 2021-08-02. Review status: criteria provided, single submitter. Criteria: ACMG Guidelines, 2015. Collection method: clinical testing. Allele origin: unknown.

GeneDx
Classification: Likely benign. Last evaluated: 2021-07-01. Review status: criteria provided, single submitter. Criteria: GeneDx Variant Classification Process June 2021. Collection method: clinical testing. Allele origin: germline. Affected: yes.
Comment: This variant is associated with the following publications: (PMID: 27535533)

Breakthrough Genomics
Classification: Likely benign. Review status: criteria provided, single submitter. Criteria: ACMG Guidelines, 2015. Collection method: not provided. Allele origin: germline. Inheritance: Autosomal dominant inheritance. Affected: yes.

PreventionGenetics, part of Exact Sciences
Classification: Benign for PKD1-related condition. Last evaluated: 2019-08-20. Review status: no assertion criteria provided. Collection method: clinical testing. Allele origin: germline. Not counted in ClinVar's aggregate classification.
Comment: This variant is classified as benign based on ACMG/AMP sequence variant interpretation guidelines (Richards et al. 2015 PMID: 25741868, with internal and published modifications).

Department of Pathology and Laboratory Medicine, Sinai Health System
Classification: Benign for Polycystic Kidney disease. Review status: no assertion criteria provided. Collection method: clinical testing. Allele origin: unknown. Affected: yes. Observed: 1 variant allele. Study: The Canadian Open Genetics Repository (COGR). Not counted in ClinVar's aggregate classification.
Comment: The PKD1 p.Ser3037= variant was not identified in the literature nor was it identified in the ClinVar, COGR, LOVD 3.0, or PKD1-LOVD. The variant was identified in dbSNP (ID: rs57870377, ADPKD Mutation Database (classified likely neutral), and in control databases in 196 of 184548 chromosomes at a frequency of 0.001 increasing the likelihood this could be a low frequency benign variant (Genome Aggregation Database Feb 27, 2017). It was observed in the following populations: African in 173 of 15974 chromosomes (freq: 0.01), Other in 4 of 4862 chromosomes (freq: 0.0008), Latino in 7 of 25266 chromosomes (freq: 0.0003), European Non-Finnish in 1 of 74760 chromosomes (freq: 0.00001), East Asian in 8 of 12184 chromosomes (freq: 0.0007), and South Asian in 3 of 23716 chromosomes (freq: 0.0002); it was not observed in the Ashkenazi Jewish and European Finnish populations. The p.Ser3037= variant is not expected to have clinical significance because it does not result in a change of amino acid and is not located in a known consensus splice site. In addition, in silico or computational prediction software programs (SpliceSiteFinder, MaxEntScan, NNSPLICE, GeneSplicer, HumanSpliceFinder) do not predict a difference in splicing. In summary, based on the above information this variant meets our laboratory criteria to be classified as benign.

NM_001009944.3(PKD1):c.9111G>A (p.Ser3037=)

Gene: PKD1 (polycystin 1, transient receptor potential channel interacting; minus strand). Cytogenetic location: 16p13.3.
Variant type: single nucleotide variant.
Coding change: c.9111G>A on transcript NM_001009944.3 (MANE Select); coding-DNA position 9111, G replaced by A.
Protein change: p.Ser3037=; no amino-acid change (serine 3037 retained).
Molecular consequence: synonymous variant.
Genome position (GRCh38, 1-based): chr16:2,102,471, C>T on the plus strand (G>A on the coding strand, the complement: PKD1 is on the minus strand). VCF-style: chr16-2102471-C-T. GRCh37 (hg19) VCF-style: chr16-2152472-C-T.
Other names: c.9111G>A, p.Ser3037= (NM_000296.4).
Identifiers: ClinVar variation 994679 (VCV000994679.11), dbSNP rs57870377, ClinGen allele CA7830193.